The following is an entry in ClinVar:

NM_130466.4(UBE3B):c.1825C>T (p.Arg609Cys)

Gene: UBE3B (ubiquitin protein ligase E3B; plus strand). Cytogenetic location: 12q24.11.
Variant type: single nucleotide variant.
Coding change: c.1825C>T on transcript NM_130466.4 (MANE Select); coding-DNA position 1825, C replaced by T.
Protein change: p.Arg609Cys; replaces arginine 609 with cysteine.
Molecular consequence: missense variant.
Genome position (GRCh38, 1-based): chr12:109,510,427, C>T. VCF-style: chr12-109510427-C-T. GRCh37 (hg19) VCF-style: chr12-109948232-C-T.
Other names: c.1825C>T, p.Arg609Cys (NM_183415.3); short protein forms R609C.
Identifiers: ClinVar variation 2179553 (VCV002179553.4), dbSNP rs758034388, ClinGen allele CA6777993.

ClinVar aggregate classification (germline): Uncertain significance (1 of 4 stars; one submission).

Allele frequency attached by ClinVar (database versions not stated): gnomAD 0.00003; gnomAD exomes 0.00003; TOPMed 0.00003; ExAC 0.00008.
gnomAD v4.1: 49 of 1,612,536 alleles (0.003%); highest among the groups gnomAD compares: South Asian, 0.0099%; no homozygotes.

Submission:

Labcorp Genetics (formerly Invitae), Labcorp
Classification: Uncertain significance. Last evaluated: 2022-07-05. Review status: criteria provided, single submitter. Criteria: Invitae Variant Classification Sherloc (09022015). Collection method: clinical testing. Allele origin: germline.
Comment: In summary, the available evidence is currently insufficient to determine the role of this variant in disease. Therefore, it has been classified as a Variant of Uncertain Significance. Algorithms developed to predict the effect of sequence changes on RNA splicing suggest that this variant may create or strengthen a splice site. Algorithms developed to predict the effect of missense changes on protein structure and function are either unavailable or do not agree on the potential impact of this missense change (SIFT: "Tolerated"; PolyPhen-2: "Possibly Damaging"; Align-GVGD: "Class C0"). This variant has not been reported in the literature in individuals affected with UBE3B-related conditions. This variant is present in population databases (rs758034388, gnomAD 0.01%). This sequence change replaces arginine, which is basic and polar, with cysteine, which is neutral and slightly polar, at codon 609 of the UBE3B protein (p.Arg609Cys).